The following is an entry in ClinVar:

ClinVar aggregate classification (germline): Uncertain significance. Review status: criteria provided, multiple submitters, no conflicts (2 of 4 stars). 2 submissions from 2 submitters: Uncertain significance (2). Last evaluated 2025-08-10.

Conditions:
Inborn genetic diseases. Identifiers: MedGen C0950123, MeSH D030342.
MEGF10-related myopathy (CMYO10A). Also called: Congenital myopathy 10A, severe variant. Identifiers: Orphanet 439212, MedGen C3280679, MONDO:0013731, OMIM 614399.

Allele frequency attached by ClinVar (database versions not stated): gnomAD exomes 0.00001 and 0.00003; ExAC 0.00002; gnomAD 0.00003; TOPMed 0.00003.
gnomAD v4.1: 22 of 1,613,996 alleles (0.0014%); highest among the groups gnomAD compares: Admixed American, 0.018%; no homozygotes.

Submissions (2):

Ambry Genetics
Classification: Uncertain significance for Inborn genetic diseases. Last evaluated: 2025-08-10. Review status: criteria provided, single submitter. Criteria: Ambry Variant Classification Scheme 2023. Collection method: clinical testing. Allele origin: germline.

Labcorp Genetics (formerly Invitae), Labcorp
Classification: Uncertain significance for MEGF10-related myopathy. Last evaluated: 2025-05-19. Review status: criteria provided, single submitter. Criteria: Invitae Variant Classification Sherloc (09022015). Collection method: clinical testing. Allele origin: germline.
Comment: This sequence change replaces aspartic acid, which is acidic and polar, with asparagine, which is neutral and polar, at codon 728 of the MEGF10 protein (p.Asp728Asn). This variant is present in population databases (rs781645558, gnomAD 0.02%). This variant has not been reported in the literature in individuals affected with MEGF10-related conditions. ClinVar contains an entry for this variant (Variation ID: 1056677). Invitae Evidence Modeling of protein sequence and biophysical properties (such as structural, functional, and spatial information, amino acid conservation, physicochemical variation, residue mobility, and thermodynamic stability) indicates that this missense variant is not expected to disrupt MEGF10 protein function with a negative predictive value of 80%. In summary, the available evidence is currently insufficient to determine the role of this variant in disease. Therefore, it has been classified as a Variant of Uncertain Significance.

NM_001256545.2(MEGF10):c.2182G>A (p.Asp728Asn)

Gene: MEGF10 (multiple EGF like domains 10; plus strand). Cytogenetic location: 5q23.2.
Variant type: single nucleotide variant.
Coding change: c.2182G>A on transcript NM_001256545.2 (MANE Select); coding-DNA position 2182, G replaced by A.
Protein change: p.Asp728Asn; replaces aspartic acid 728 with asparagine.
Molecular consequence: missense variant.
Genome position (GRCh38, 1-based): chr5:127,438,516, G>A. VCF-style: chr5-127438516-G-A. GRCh37 (hg19) VCF-style: chr5-126774208-G-A.
Other names: c.2182G>A (NM_032446.2); c.2182G>A, p.Asp728Asn (NM_032446.3); short protein forms D728N.
Identifiers: ClinVar variation 1056677 (VCV001056677.10), dbSNP rs781645558, ClinGen allele CA3391862.